The following is an entry in ClinVar:

NM_001145715.3(KPNA7):c.437C>T (p.Ser146Leu)

Gene: KPNA7 (karyopherin subunit alpha 7; minus strand). Cytogenetic location: 7q22.1.
Variant type: single nucleotide variant.
Coding change: c.437C>T on transcript NM_001145715.3 (MANE Select); coding-DNA position 437, C replaced by T.
Protein change: p.Ser146Leu; replaces serine 146 with leucine.
Molecular consequence: missense variant.
Genome position (GRCh38, 1-based): chr7:99,195,186, G>A on the plus strand (C>T on the coding strand, the complement: KPNA7 is on the minus strand). VCF-style: chr7-99195186-G-A. GRCh37 (hg19) VCF-style: chr7-98792809-G-A.
Other names: short protein forms S146L.
Identifiers: ClinVar variation 1017531 (VCV001017531.8), dbSNP rs1395088843, ClinGen allele CA368420553.

ClinVar aggregate classification (germline): Uncertain significance (1 of 4 stars; one submission).

Allele frequency attached by ClinVar (database versions not stated): gnomAD exomes 0.00001 and 0.00002; TOPMed 0.00002; gnomAD 0.00003 and 0.00004.
gnomAD v4.1: 16 of 1,551,430 alleles (0.001%); highest among the groups gnomAD compares: African/African-American, 0.0096%; no homozygotes.

Submission:

Labcorp Genetics (formerly Invitae), Labcorp
Classification: Uncertain significance. Last evaluated: 2022-02-04. Review status: criteria provided, single submitter. Criteria: Invitae Variant Classification Sherloc (09022015). Collection method: clinical testing. Allele origin: germline.
Comment: This sequence change replaces serine, which is neutral and polar, with leucine, which is neutral and non-polar, at codon 146 of the KPNA7 protein (p.Ser146Leu). This variant is present in population databases (no rsID available, gnomAD 0.008%). This variant has not been reported in the literature in individuals affected with KPNA7-related conditions. ClinVar contains an entry for this variant (Variation ID: 1017531). Algorithms developed to predict the effect of missense changes on protein structure and function are either unavailable or do not agree on the potential impact of this missense change (SIFT: "Deleterious"; PolyPhen-2: "Probably Damaging"; Align-GVGD: "Class C0"). In summary, the available evidence is currently insufficient to determine the role of this variant in disease. Therefore, it has been classified as a Variant of Uncertain Significance.